The following is an entry in ClinVar:

ClinVar aggregate classification (germline): Benign/Likely benign. Review status: criteria provided, multiple submitters, no conflicts (2 of 4 stars). 3 submissions from 3 submitters: Benign (1); Likely benign (2). Last evaluated 2024-10-11.

Conditions:
Hereditary diffuse gastric adenocarcinoma (HDGC). Also called: DIFFUSE GASTRIC AND LOBULAR BREAST CANCER SYNDROME. Identifiers: Orphanet 26106, MedGen C1708349, MONDO:0007648, OMIM 137215.
Hereditary cancer-predisposing syndrome. Also called: Hereditary Cancer Syndrome; Hereditary neoplastic syndrome; Neoplastic Syndromes, Hereditary; Tumor predisposition. Identifiers: Orphanet 140162, MedGen C0027672, MeSH D009386, MONDO:0015356.

Allele frequency attached by ClinVar (database versions not stated): TOPMed below 0.00001.

Submissions (3):

Myriad Genetics, Inc.
Classification: Benign for Hereditary diffuse gastric adenocarcinoma. Last evaluated: 2024-10-11. Review status: criteria provided, single submitter. Criteria: Myriad Autosomal Dominant, Autosomal Recessive and X-Linked Classification Criteria (2023). Collection method: clinical testing. Allele origin: unknown.
Comment: This variant is considered benign. This variant is a silent/synonymous amino acid change and it is not expected to impact splicing.

Labcorp Genetics (formerly Invitae), Labcorp
Classification: Likely benign. Last evaluated: 2024-04-15. Review status: criteria provided, single submitter. Criteria: Invitae Variant Classification Sherloc (09022015). Collection method: clinical testing. Allele origin: germline.

Ambry Genetics
Classification: Likely benign for Hereditary cancer-predisposing syndrome. Last evaluated: 2021-06-23. Review status: criteria provided, single submitter. Criteria: Ambry Variant Classification Scheme 2023. Collection method: clinical testing. Allele origin: germline.

NM_001903.5(CTNNA1):c.1674A>G (p.Ser558=)

Gene: CTNNA1 (catenin alpha 1; plus strand). Cytogenetic location: 5q31.2.
Variant type: single nucleotide variant.
Coding change: c.1674A>G on transcript NM_001903.5 (MANE Select); coding-DNA position 1674, A replaced by G.
Protein change: p.Ser558=; no amino-acid change (serine 558 retained).
Molecular consequence: synonymous variant.
Genome position (GRCh38, 1-based): chr5:138,924,637, A>G. VCF-style: chr5-138924637-A-G. GRCh37 (hg19) VCF-style: chr5-138260326-A-G.
Other names: c.225A>G, p.Ser75= (NM_001324008.1, NM_001324009.1, NM_001324010.1 and 2 more transcripts); c.471A>G, p.Ser157= (NM_001324011.1); c.321A>G, p.Ser107= (NM_001324012.1, NM_001324013.1); c.1674A>G, p.Ser558= (NM_001290307.3, NM_001323982.2, NM_001323983.1 and 2 more transcripts); c.1365A>G, p.Ser455= (NM_001290309.3); c.1305A>G, p.Ser435= (NM_001290310.3); c.564A>G, p.Ser188= (NM_001290312.1, NM_001323987.1, NM_001323988.1 and 17 more transcripts); c.1581A>G, p.Ser527= (NM_001323986.2).
Identifiers: ClinVar variation 1156049 (VCV001156049.12), dbSNP rs1763618784, ClinGen allele CA446597028.